The following is an entry in ClinVar:

ClinVar aggregate classification (germline): Uncertain significance (1 of 4 stars; one submission).

Conditions:
Atrioventricular septal defect 4 (AVSD4). Identifiers: MedGen C3280781, MONDO:0013747, OMIM 614430.

gnomAD v4.1: 14 of 1,614,234 alleles (0.00087%); highest among the groups gnomAD compares: East Asian, 0.029%; no homozygotes.

Submission:

Labcorp Genetics (formerly Invitae), Labcorp
Classification: Uncertain significance for Atrioventricular septal defect 4. Last evaluated: 2024-09-17. Review status: criteria provided, single submitter. Criteria: Invitae Variant Classification Sherloc (09022015). Collection method: clinical testing. Allele origin: germline.
Comment: This sequence change replaces serine, which is neutral and polar, with arginine, which is basic and polar, at codon 339 of the GATA4 protein (p.Ser339Arg). This variant is not present in population databases (gnomAD no frequency). This missense change has been observed in individual(s) with pulmonary atresia with ventricular septal defect (PMID: 22498567). Invitae Evidence Modeling of protein sequence and biophysical properties (such as structural, functional, and spatial information, amino acid conservation, physicochemical variation, residue mobility, and thermodynamic stability) indicates that this missense variant is not expected to disrupt GATA4 protein function with a negative predictive value of 80%. Experimental studies are conflicting or provide insufficient evidence to determine the effect of this variant on GATA4 function (PMID: 22498567). In summary, the available evidence is currently insufficient to determine the role of this variant in disease. Therefore, it has been classified as a Variant of Uncertain Significance.

Literature cited by the submitters: PubMed 22498567.

NM_001308093.3(GATA4):c.1020C>G (p.Ser340Arg)

Gene: GATA4 (GATA binding protein 4). Cytogenetic location: 8p23.1.
Variant type: single nucleotide variant.
Coding change: c.1020C>G on transcript NM_001308093.3 (MANE Select); coding-DNA position 1020, C replaced by G.
Protein change: p.Ser340Arg; replaces serine 340 with arginine.
Molecular consequence: missense variant.
Genome position (GRCh38, 1-based): chr8:11,756,954, C>G. VCF-style: chr8-11756954-C-G. GRCh37 (hg19) VCF-style: chr8-11614463-C-G.
Other names: c.399C>G, p.Ser133Arg (NM_001308094.2, NM_001374273.1); c.273C>G, p.Ser91Arg (NM_001374274.1); c.1017C>G, p.Ser339Arg (NM_002052.5); short protein forms S339R, S340R, S91R, S133R.
Identifiers: ClinVar variation 3653828 (VCV003653828.2).